The following is an entry in ClinVar:

NM_001127208.3(TET2):c.583A>G (p.Lys195Glu)

Genes: TET2 (tet methylcytosine dioxygenase 2; plus strand), TET2-AS1 (TET2 antisense RNA 1; minus strand). Cytogenetic location: 4q24.
Variant type: single nucleotide variant.
Coding change: c.583A>G on transcript NM_001127208.3 (MANE Select); coding-DNA position 583, A replaced by G.
Protein change: p.Lys195Glu; replaces lysine 195 with glutamic acid.
Molecular consequence: missense variant.
Genome position (GRCh38, 1-based): chr4:105,234,525, A>G. VCF-style: chr4-105234525-A-G. GRCh37 (hg19) VCF-style: chr4-106155682-A-G.
Other names: c.583A>G, p.Lys195Glu (NM_017628.4); short protein forms K195E.
Identifiers: ClinVar variation 3805853 (VCV003805853.1).

ClinVar aggregate classification (germline): Uncertain significance (1 of 4 stars; one submission).

gnomAD v4.1: 5 of 1,614,018 alleles (0.00031%); highest among the groups gnomAD compares: African/African-American, 0.0067%; no homozygotes.

Submission:

Ambry Genetics
Classification: Uncertain significance. Last evaluated: 2024-12-13. Review status: criteria provided, single submitter. Criteria: Ambry Variant Classification Scheme 2023. Collection method: clinical testing. Allele origin: germline.
Comment: The p.K195E variant (also known as c.583A>G), located in coding exon 1 of the TET2 gene, results from an A to G substitution at nucleotide position 583. The lysine at codon 195 is replaced by glutamic acid, an amino acid with similar properties. This amino acid position is conserved. In addition, this alteration is predicted to be tolerated by in silico analysis. Based on the available evidence, the clinical significance of this variant remains unclear.